The following is an entry in ClinVar:

ClinVar aggregate classification (germline): Uncertain significance (1 of 4 stars; one submission).

Conditions:
Progressive myoclonic epilepsy type 9. Identifiers: Orphanet 457265, MedGen C4225289, MONDO:0014685, OMIM 616540.
Lipodystrophy, partial, acquired, susceptibility to (APLD). Also called: APLD, SUSCEPTIBILITY TO. Identifiers: MedGen C3887501, MONDO:0100476, OMIM 608709.

gnomAD v4.1: 3 of 1,614,134 alleles (0.00019%); highest among the groups gnomAD compares: Non-Finnish European, 0.000085%; no homozygotes.

Submission:

Labcorp Genetics (formerly Invitae), Labcorp
Classification: Uncertain significance for Progressive myoclonic epilepsy type 9; Lipodystrophy, partial, acquired, susceptibility to. Last evaluated: 2024-03-28. Review status: criteria provided, single submitter. Criteria: Invitae Variant Classification Sherloc (09022015). Collection method: clinical testing. Allele origin: germline.
Comment: This sequence change replaces glutamic acid, which is acidic and polar, with alanine, which is neutral and non-polar, at codon 585 of the LMNB2 protein (p.Glu585Ala). This variant is not present in population databases (gnomAD no frequency). This variant has not been reported in the literature in individuals affected with LMNB2-related conditions. An algorithm developed to predict the effect of missense changes on protein structure and function (PolyPhen-2) suggests that this variant is likely to be tolerated. In summary, the available evidence is currently insufficient to determine the role of this variant in disease. Therefore, it has been classified as a Variant of Uncertain Significance.

NM_032737.4(LMNB2):c.1754A>C (p.Glu585Ala)

Gene: LMNB2 (lamin B2; minus strand). Cytogenetic location: 19p13.3.
Variant type: single nucleotide variant.
Coding change: c.1754A>C on transcript NM_032737.4 (MANE Select); coding-DNA position 1754, A replaced by C.
Protein change: p.Glu585Ala; replaces glutamic acid 585 with alanine.
Molecular consequence: missense variant.
Genome position (GRCh38, 1-based): chr19:2,431,615, T>G on the plus strand (A>C on the coding strand, the complement: LMNB2 is on the minus strand). VCF-style: chr19-2431615-T-G. GRCh37 (hg19) VCF-style: chr19-2431613-T-G.
Other names: short protein forms E585A.
Identifiers: ClinVar variation 3750963 (VCV003750963.2).
Genomic context (GRCh38, chr19:2,431,615, plus strand): 5'-TGGAAAAGATCCTCCTCGCCAAACTCGGCTTCCTCCTCCTCTTCCTCCCCATTCTCATTC[T>G]CACGCATCACCGAGGACTTCTTCACAGTCCTCATGGCCACTTCCTGTGCGGGACAGGACA-3'
Protein context (NP_116126.3, residues 575-595): RTVKKSSVMR[Glu585Ala]NENGEEEEEE